The following is an entry in ClinVar:

NM_014915.3(ANKRD26):c.5082G>A (p.Trp1694Ter)

Gene: ANKRD26 (ankyrin repeat domain 26; minus strand). Cytogenetic location: 10p12.1.
Variant type: single nucleotide variant.
Coding change: c.5082G>A on transcript NM_014915.3 (MANE Select); coding-DNA position 5082, G replaced by A.
Protein change: p.Trp1694Ter; replaces tryptophan 1694 with a stop codon.
Molecular consequence: nonsense.
Genome position (GRCh38, 1-based): chr10:27,005,641, C>T on the plus strand (G>A on the coding strand, the complement: ANKRD26 is on the minus strand). VCF-style: chr10-27005641-C-T. GRCh37 (hg19) VCF-style: chr10-27294570-C-T.
Other names: c.5079G>A, p.Trp1693Ter (NM_001256053.2); short protein forms W1694*, W1693*.
Identifiers: ClinVar variation 4755021 (VCV004755021.1).

ClinVar aggregate classification (germline): Uncertain significance (1 of 4 stars; one submission).

Submission:

Labcorp Genetics (formerly Invitae), Labcorp
Classification: Uncertain significance. Last evaluated: 2025-06-05. Review status: criteria provided, single submitter. Criteria: Invitae Variant Classification Sherloc (09022015). Collection method: clinical testing. Allele origin: germline.
Comment: This sequence change creates a premature translational stop signal (p.Trp1694*) in the ANKRD26 gene. While this is not anticipated to result in nonsense mediated decay, it is expected to disrupt the last 17 amino acid(s) of the ANKRD26 protein. This variant is not present in population databases (gnomAD no frequency). This variant has not been reported in the literature in individuals affected with ANKRD26-related conditions. Algorithms developed to predict the effect of sequence changes on RNA splicing suggest that this variant may disrupt the consensus splice site. In summary, the available evidence is currently insufficient to determine the role of this variant in disease. Therefore, it has been classified as a Variant of Uncertain Significance.